The following is an entry in ClinVar:

ClinVar aggregate classification (germline): Uncertain significance. Review status: criteria provided, multiple submitters, no conflicts (2 of 4 stars). 2 submissions from 2 submitters: Uncertain significance (2). Last evaluated 2025-10-30.

Conditions:
Inborn genetic diseases. Identifiers: MedGen C0950123, MeSH D030342.
Progressive sclerosing poliodystrophy (MTDPS4A). Also called: NEURONAL DEGENERATION OF CHILDHOOD WITH LIVER DISEASE, PROGRESSIVE; Alpers Syndrome; ALPERS DIFFUSE DEGENERATION OF CEREBRAL GRAY MATTER WITH HEPATIC CIRRHOSIS; Alpers-Huttenlocher Syndrome; Mitochondrial DNA Depletion Syndrome 4A; Alpers-Huttenlocher Syndrome (AHS). Identifiers: Orphanet 726, MedGen C0205710, MONDO:0008758, OMIM 203700.

Allele frequency attached by ClinVar (database versions not stated): gnomAD exomes below 0.00001; TOPMed below 0.00001.
gnomAD v4.1: 1 of 1,528,652 alleles (0.000065%); highest among the groups gnomAD compares: Non-Finnish European, 0.000088%; no homozygotes.

Submissions (2):

Ambry Genetics
Classification: Uncertain significance for Inborn genetic diseases. Last evaluated: 2025-10-30. Review status: criteria provided, single submitter. Criteria: Ambry Variant Classification Scheme 2023. Collection method: clinical testing. Allele origin: germline.

Labcorp Genetics (formerly Invitae), Labcorp
Classification: Uncertain significance for Progressive sclerosing poliodystrophy. Last evaluated: 2022-10-29. Review status: criteria provided, single submitter. Criteria: Invitae Variant Classification Sherloc (09022015). Collection method: clinical testing. Allele origin: germline.
Comment: In summary, the available evidence is currently insufficient to determine the role of this variant in disease. Therefore, it has been classified as a Variant of Uncertain Significance. Advanced modeling of protein sequence and biophysical properties (such as structural, functional, and spatial information, amino acid conservation, physicochemical variation, residue mobility, and thermodynamic stability) performed at Invitae indicates that this missense variant is not expected to disrupt POLG protein function. This variant has not been reported in the literature in individuals affected with POLG-related conditions. This variant is not present in population databases (gnomAD no frequency). This sequence change replaces threonine, which is neutral and polar, with serine, which is neutral and polar, at codon 207 of the POLG protein (p.Thr207Ser).

NM_002693.3(POLG):c.620C>G (p.Thr207Ser)

Genes: POLG (DNA polymerase gamma, catalytic subunit; minus strand), POLGARF (POLG alternative reading frame; minus strand). Cytogenetic location: 15q26.1.
Variant type: single nucleotide variant.
Coding change: c.620C>G on transcript NM_002693.3 (MANE Select); coding-DNA position 620, C replaced by G.
Protein change: p.Thr207Ser; replaces threonine 207 with serine.
Molecular consequence: missense variant.
Genome position (GRCh38, 1-based): chr15:89,333,135, G>C on the plus strand (C>G on the coding strand, the complement: POLG is on the minus strand). VCF-style: chr15-89333135-G-C. GRCh37 (hg19) VCF-style: chr15-89876366-G-C.
Other names: c.620C>G, p.Thr207Ser (NM_001126131.2); short protein forms T207S.
Identifiers: ClinVar variation 1714922 (VCV001714922.7), dbSNP rs2055616921, ClinGen allele CA393770343.
Genomic context (GRCh38, chr15:89,333,135, plus strand): 5'-CCCAACCCTGCCCCTACTTACCAGGCCGAGGGGGATATGGCCACCGCCAATGTGGGGCAA[G>C]TTCCCTCTGCCAAGCAGACCTCCACGTCGAACACCAGGGCCCGCTCCTCGGGGATGGCCA-3'
Protein context (NP_002684.1, residues 197-217): FDVEVCLAEG[Thr207Ser]CPTLAVAISP